The following is an entry in ClinVar:

NM_007078.3(LDB3):c.2098T>C (p.Cys700Arg)

Gene: LDB3 (LIM domain binding 3; plus strand). Cytogenetic location: 10q23.2.
Variant type: single nucleotide variant.
Coding change: c.2098T>C on transcript NM_007078.3 (MANE Select); coding-DNA position 2098, T replaced by C.
Protein change: p.Cys700Arg; replaces cysteine 700 with arginine.
Molecular consequence: missense variant.
Genome position (GRCh38, 1-based): chr10:86,732,890, T>C. VCF-style: chr10-86732890-T-C. GRCh37 (hg19) VCF-style: chr10-88492647-T-C.
Other names: c.1768T>C, p.Cys590Arg (NM_001080114.2); c.2113T>C, p.Cys705Arg (NM_001171610.2); c.1909T>C, p.Cys637Arg (NM_001368064.1, NM_001368065.1); c.1957T>C, p.Cys653Arg (NM_001368066.1); short protein forms C590R, C700R, C653R, C705R, C637R.
Identifiers: ClinVar variation 1785832 (VCV001785832.2), dbSNP rs2492881764, ClinGen allele CA377460081.
Genomic context (GRCh38, chr10:86,732,890, plus strand): 5'-AAATCTGCTCATGCCCTGTGCCACGTGGGTCTCACGCAGGTCTGTTCTCTGCTCCAGGTC[T>C]GCCATGTGAATCTGGAGGGGCAGCCGTTCTACTCCAAGAAGGACAGACCCCTGTGCAAGA-3'
Protein context (NP_009009.1, residues 690-710): WHDTCFICAV[Cys700Arg]HVNLEGQPFY

ClinVar aggregate classification (germline): Uncertain significance (1 of 4 stars; one submission).

Conditions:
Cardiovascular phenotype. Identifiers: MedGen CN230736.

Submission:

Ambry Genetics
Classification: Uncertain significance for Cardiovascular phenotype. Last evaluated: 2021-08-10. Review status: criteria provided, single submitter. Criteria: Ambry Variant Classification Scheme 2023. Collection method: clinical testing. Allele origin: germline.
Comment: The p.C700R variant (also known as c.2098T>C), located in coding exon 13 of the LDB3 gene, results from a T to C substitution at nucleotide position 2098. The cysteine at codon 700 is replaced by arginine, an amino acid with highly dissimilar properties. This amino acid position is conserved. In addition, this alteration is predicted to be deleterious by in silico analysis. Since supporting evidence is limited at this time, the clinical significance of this alteration remains unclear.